The following is an entry in ClinVar:

ClinVar aggregate classification (germline): Pathogenic (1 of 4 stars; one submission).

Conditions:
Duchenne muscular dystrophy (DMD). Also called: Duchenne Muscular Dystrophy (DMD); MUSCULAR DYSTROPHY, PSEUDOHYPERTROPHIC PROGRESSIVE, DUCHENNE TYPE. Identifiers: Orphanet 98896, MedGen C0013264, MONDO:0010679, OMIM 310200.

Submission:

Labcorp Genetics (formerly Invitae), Labcorp
Classification: Pathogenic for Duchenne muscular dystrophy. Last evaluated: 2021-06-28. Review status: criteria provided, single submitter. Criteria: Invitae Variant Classification Sherloc (09022015). Collection method: clinical testing. Allele origin: germline.
Comment: This sequence change creates a premature translational stop signal (p.Glu692*) in the DMD gene. It is expected to result in an absent or disrupted protein product. Loss-of-function variants in DMD are known to be pathogenic (PMID: 16770791, 25007885). This variant is not present in population databases (ExAC no frequency). This nonsense change has been observed in individual(s) with clinical features of DMD-related conditions (PMID: 30833962). Algorithms developed to predict the effect of sequence changes on RNA splicing suggest that this variant may create or strengthen a splice site, but this prediction has not been confirmed by published transcriptional studies. For these reasons, this variant has been classified as Pathogenic.

Literature cited by the submitters: PubMed 16770791; PubMed 25007885; PubMed 30833962.

NM_004006.3(DMD):c.2074_2086del (p.Arg691_Glu692insTer)

Gene: DMD (dystrophin; minus strand). Cytogenetic location: Xp21.1.
Variant type: Deletion.
Coding change: c.2074_2086del on transcript NM_004006.3 (MANE Select); coding-DNA positions 2074 to 2086, 13 bases deleted (GAACAGATCCTGG).
Protein change: p.Arg691_Glu692insTer.
Molecular consequence: nonsense.
Genome position (GRCh38, 1-based): chrX:32,545,241-32,545,253, CCAGGATCTGTTC deleted on the plus strand (GAACAGATCCTGG on the coding strand, the reverse complement: DMD is on the minus strand); deleting any 13 consecutive bases within chrX:32,545,241-32,545,255 gives the same sequence; the c. name uses the placement nearest the transcript's 3' end. VCF-style (leftmost placement, unchanged base first): chrX-32545240-ACCAGGATCTGTTC-A. GRCh37 (hg19) VCF-style: chrX-32563357-ACCAGGATCTGTTC-A.
Other names: c.2050_2062del, p.Arg683_Glu684insTer (NM_000109.4); c.2062_2074del, p.Arg687_Glu688insTer (NM_004009.3); c.1705_1717del, p.Arg568_Glu569insTer (NM_004010.3).
Identifiers: ClinVar variation 1452206 (VCV001452206.8), dbSNP rs2148959744, ClinGen allele CA2573158690.